The following is an entry in ClinVar:

NM_033380.3(COL4A5):c.3944G>T (p.Gly1315Val)

Gene: COL4A5 (collagen type IV alpha 5 chain; plus strand). Cytogenetic location: Xq22.3.
Variant type: single nucleotide variant.
Coding change: c.3944G>T on transcript NM_033380.3 (MANE Select); coding-DNA position 3944, G replaced by T.
Protein change: p.Gly1315Val; replaces glycine 1315 with valine.
Molecular consequence: missense variant.
Genome position (GRCh38, 1-based): chrX:108,680,680, G>T. VCF-style: chrX-108680680-G-T. GRCh37 (hg19) VCF-style: chrX-107923910-G-T.
Other names: c.3926G>T, p.Gly1309Val (NM_000495.5); short protein forms G1315V, G1309V.
Identifiers: ClinVar variation 1489240 (VCV001489240.8), dbSNP rs2147979912, ClinGen allele CA413850939.

ClinVar aggregate classification (germline): Likely pathogenic (1 of 4 stars; one submission).

Submission:

Labcorp Genetics (formerly Invitae), Labcorp
Classification: Likely pathogenic. Last evaluated: 2021-07-07. Review status: criteria provided, single submitter. Criteria: Invitae Variant Classification Sherloc (09022015). Collection method: clinical testing. Allele origin: germline.
Comment: This variant disrupts the triple helix domain of COL4A5. Glycine residues within the Gly-Xaa-Yaa repeats of the triple helix domain are required for the structure and stability of fibrillar collagens (PMID: 7695699, 8218237, 19344236). In COL4A5, missense variants at these glycine residues are significantly enriched in individuals with disease (PMID: 23720012, 27627812) compared to the general population (ExAC). In summary, the currently available evidence indicates that the variant is pathogenic, but additional data are needed to prove that conclusively. Therefore, this variant has been classified as Likely Pathogenic. Algorithms developed to predict the effect of sequence changes on RNA splicing suggest that this variant may create or strengthen a splice site. This variant has not been reported in the literature in individuals affected with COL4A5-related conditions. This variant is not present in population databases (ExAC no frequency). This sequence change replaces glycine with valine at codon 1309 of the COL4A5 protein (p.Gly1309Val). The glycine residue is highly conserved and there is a moderate physicochemical difference between glycine and valine.

Literature cited by the submitters: PubMed 7695699; PubMed 8218237; PubMed 19344236; PubMed 23720012; PubMed 27627812.